The following is an entry in ClinVar:

NM_001388492.1(HTT):c.58_110= (p.Gln20_Gln37=)

Genes: HTT (huntingtin; plus strand), LOC109461479 (huntingtin repeat instability region; plus strand), LOC129929027 (ATAC-STARR-seq lymphoblastoid silent region 15199; plus strand). Cytogenetic location: 4p16.3.
Variant type: Microsatellite.
Coding change: c.58_110= on transcript NM_001388492.1 (MANE Select); coding-DNA positions 58 to 110, no change from the reference sequence.
Protein change: p.Gln20_Gln37=.
Molecular consequence: no sequence alteration. On other transcripts: inframe deletion (1).
Genome position: GRCh38 VCF-style: chr4-3074876-CCAGCAG-C. GRCh37 (hg19) VCF-style: chr4-3076603-CCAGCAG-C.
Other names: c.54GCA[19], p.Gln39_Gln40del (NM_002111.8).
Identifiers: ClinVar variation 1328024 (VCV001328024.2), dbSNP rs71180116, ClinGen allele CA2823079.

ClinVar aggregate classification (germline): Benign. Review status: criteria provided, single submitter (1 of 4 stars). 3 submissions from 3 submitters: Benign (1). 2 of the submissions do not count toward it. Last evaluated 2026-09-23.

Conditions:
Huntington disease (HD). Also called: HUNTINGTON CHOREA; Huntington's chorea; Huntington's disease. Identifiers: Orphanet 248111, Orphanet 399, MedGen C0020179, MONDO:0007739, OMIM 143100.

Submissions (3):

Department Of Human Genetics, Institute Of Clinical And Translational Research, Biomedical Research Center, Slovak Academy Of Sciences
Classification: Benign for Huntington disease. Last evaluated: 2026-09-23. Review status: criteria provided, single submitter. Criteria: ACMG Guidelines for Huntington disease, 2014. Collection method: research. Allele origin: germline. Inheritance: Autosomal dominant inheritance.
Comment: The NC_000004.12.3074878_3074940AGC[17]AAC[1]AGC[1] allele represents a complex trinucleotide repeat sequence in the HTT (huntingtin) gene. The repeat tract consists of 17 consecutive AGC repeats, followed by one AAC interruption and one additional AGC repeat. This sequence corresponds to 17 uninterrupted glutamine-encoding units or 19 interrupted glutamine-encoding repeat units (this count the AAC interruption and the additional AGC to the total number of repeats on the DNA level, while all resulting in glutamine residues at the protein level). Huntington disease (HD) is an autosomal dominant neurodegenerative disorder caused by an expansion of the CAG trinucleotide repeat in exon 1 of the HTT gene. HTT alleles containing 26 or fewer CAG repeats are considered within the normal range, whereas alleles containing 27–35 repeats are classified as intermediate/premutation, 36-39 repeats as reduced-penetrance pathogenic alleles, and 40 or more repeats as full-penetrance pathogenic alleles. This allele falls into the benign range both when considering the 17 uninterrupted as well as the 19 interrupted glutamine-encoding repeats. It is also a common genetic variant, which reached 43.02% frequency in the general population of Slovakia (in 609 genotyped alleles).

Diagnostic Laboratory, Department of Genetics, University Medical Center Groningen
Classification: Benign. Review status: no assertion criteria provided. Collection method: clinical testing. Allele origin: germline. Affected: yes. Study: VKGL Data-share Consensus. Not counted in ClinVar's aggregate classification.

Genome Diagnostics Laboratory, University Medical Center Utrecht
Classification: Likely benign. Review status: no assertion criteria provided. Collection method: clinical testing. Allele origin: germline. Affected: yes. Study: VKGL Data-share Consensus. Not counted in ClinVar's aggregate classification.